The following is an entry in ClinVar:

ClinVar aggregate classification (germline): Uncertain significance (1 of 4 stars; one submission).

Conditions:
Beta-D-mannosidosis (MANSB). Also called: MANNOSIDOSIS, BETA A, LYSOSOMAL; BETA-MANNOSIDASE DEFICIENCY; LYSOSOMAL BETA-MANNOSIDASE DEFICIENCY; Beta-Mannosidosis. Identifiers: Orphanet 118, MedGen C4048196, MONDO:0009562, OMIM 248510.

Submission:

Labcorp Genetics (formerly Invitae), Labcorp
Classification: Uncertain significance for Beta-D-mannosidosis. Last evaluated: 2021-07-27. Review status: criteria provided, single submitter. Criteria: Invitae Variant Classification Sherloc (09022015). Collection method: clinical testing. Allele origin: germline.
Comment: In summary, the available evidence is currently insufficient to determine the role of this variant in disease. Therefore, it has been classified as a Variant of Uncertain Significance. Algorithms developed to predict the effect of missense changes on protein structure and function (SIFT, PolyPhen-2, Align-GVGD) all suggest that this variant is likely to be disruptive. This variant has not been reported in the literature in individuals affected with MANBA-related conditions. This variant is not present in population databases (ExAC no frequency). This sequence change replaces tryptophan with serine at codon 725 of the MANBA protein (p.Trp725Ser). The tryptophan residue is highly conserved and there is a large physicochemical difference between tryptophan and serine.

NM_005908.4(MANBA):c.2174G>C (p.Trp725Ser)

Gene: MANBA (mannosidase beta; minus strand). Cytogenetic location: 4q24.
Variant type: single nucleotide variant.
Coding change: c.2174G>C on transcript NM_005908.4 (MANE Select); coding-DNA position 2174, G replaced by C.
Protein change: p.Trp725Ser; replaces tryptophan 725 with serine.
Molecular consequence: missense variant.
Genome position (GRCh38, 1-based): chr4:102,635,029, C>G on the plus strand (G>C on the coding strand, the complement: MANBA is on the minus strand). VCF-style: chr4-102635029-C-G. GRCh37 (hg19) VCF-style: chr4-103556186-C-G.
Other names: short protein forms W725S.
Identifiers: ClinVar variation 1357611 (VCV001357611.8), dbSNP rs2110188789, ClinGen allele CA357757054.